The following is an entry in ClinVar:

NM_001379500.1(COL18A1):c.1960-3C>T

Gene: COL18A1 (collagen type XVIII alpha 1 chain; plus strand). Cytogenetic location: 21q22.3.
Variant type: single nucleotide variant.
Coding change: c.1960-3C>T on transcript NM_001379500.1 (MANE Select); 3 bases into the intron before coding-DNA position 1960, C replaced by T.
Molecular consequence: intron variant.
Genome position (GRCh38, 1-based): chr21:45,490,272, C>T. VCF-style: chr21-45490272-C-T. GRCh37 (hg19) VCF-style: chr21-46910186-C-T.
Other names: c.3205-3C>T (NM_130444.3); c.2500-3C>T (NM_030582.4).
Identifiers: ClinVar variation 2082275 (VCV002082275.4), dbSNP rs763446887, ClinGen allele CA10066725.

ClinVar aggregate classification (germline): Uncertain significance (1 of 4 stars; one submission).

Allele frequency attached by ClinVar (database versions not stated): TOPMed 0.00001.
gnomAD v4.1: 4 of 1,579,560 alleles (0.00025%); highest among the groups gnomAD compares: Non-Finnish European, 0.00034%; no homozygotes.

Submission:

Labcorp Genetics (formerly Invitae), Labcorp
Classification: Uncertain significance. Last evaluated: 2022-09-13. Review status: criteria provided, single submitter. Criteria: Invitae Variant Classification Sherloc (09022015). Collection method: clinical testing. Allele origin: germline.
Comment: This sequence change falls in intron 19 of the COL18A1 gene. It does not directly change the encoded amino acid sequence of the COL18A1 protein. It affects a nucleotide within the consensus splice site. This variant is not present in population databases (gnomAD no frequency). This variant has not been reported in the literature in individuals affected with COL18A1-related conditions. Variants that disrupt the consensus splice site are a relatively common cause of aberrant splicing (PMID: 17576681, 9536098). Experimental studies and prediction algorithms are not available or were not evaluated, and the effect of this variant on mRNA splicing is currently unknown. In summary, the available evidence is currently insufficient to determine the role of this variant in disease. Therefore, it has been classified as a Variant of Uncertain Significance.

Literature cited by the submitters: PubMed 17576681; PubMed 9536098.